The following is an entry in ClinVar:

ClinVar aggregate classification (germline): Uncertain significance. Review status: criteria provided, multiple submitters, no conflicts (2 of 4 stars). 2 submissions from 2 submitters: Uncertain significance (2). Last evaluated 2025-02-12.

Conditions:
Hereditary cancer-predisposing syndrome. Also called: Hereditary Cancer Syndrome; Hereditary neoplastic syndrome; Neoplastic Syndromes, Hereditary; Tumor predisposition. Identifiers: Orphanet 140162, MedGen C0027672, MeSH D009386, MONDO:0015356.
Hereditary breast ovarian cancer syndrome. Also called: Hereditary breast and ovarian cancer syndrome; Hereditary breast and ovarian cancer syndrome (HBOC); Breast and ovarian cancer; Hereditary breast and ovarian cancer; Hereditary breast and/or ovarian cancer syndrome; BRCA1- and BRCA2-Associated Hereditary Breast and Ovarian Cancer. Identifiers: Orphanet 145, MedGen C0677776, MeSH D061325, MONDO:0003582. Disease mechanism: loss of function.

Allele frequency attached by ClinVar (database versions not stated): gnomAD exomes below 0.00001 and 0.00001.
gnomAD v4.1: 2 of 1,538,084 alleles (0.00013%); highest among the groups gnomAD compares: Admixed American, 0.0033%; no homozygotes.

Submissions (2):

Labcorp Genetics (formerly Invitae), Labcorp
Classification: Uncertain significance for Hereditary breast ovarian cancer syndrome. Last evaluated: 2025-02-12. Review status: criteria provided, single submitter. Criteria: Invitae Variant Classification Sherloc (09022015). Collection method: clinical testing. Allele origin: germline.
Comment: This variant occurs in a non-coding region of the BRCA2 gene. It does not change the encoded amino acid sequence of the BRCA2 protein. This variant is present in population databases (no rsID available, gnomAD 0.006%). This variant has not been reported in the literature in individuals affected with BRCA2-related conditions. ClinVar contains an entry for this variant (Variation ID: 1692111). Algorithms developed to predict the effect of sequence changes on RNA splicing suggest that this variant is not likely to affect RNA splicing. In summary, the available evidence is currently insufficient to determine the role of this variant in disease. Therefore, it has been classified as a Variant of Uncertain Significance.

Sema4
Classification: Uncertain significance for Hereditary cancer-predisposing syndrome. Last evaluated: 2021-10-20. Review status: criteria provided, single submitter. Criteria: Sema4 Curation Guidelines. Collection method: curation. Allele origin: germline.
Comment: The BRCA2 c.-39-11C>T variant has not been reported in the literature to our knowledge. It was observed in 2/34414 chromosomes of the Latino subpopulation in the large and broad cohorts of the Genome Aggregation Database (PMID: 32461654). The variant has not been reported in ClinVar. In silico tools suggest that the variant does not impact splicing, though these predictions have not been confirmed by functional studies. There is no indication that this variant causes disease, but the evidence is insufficient currently to prove that conclusively. Thus, the clinical significance of this variant is currently uncertain.

NM_000059.4(BRCA2):c.-39-11C>T

Gene: BRCA2 (BRCA2 DNA repair associated; plus strand). Cytogenetic location: 13q13.1.
Variant type: single nucleotide variant.
Coding change: c.-39-11C>T on transcript NM_000059.4 (MANE Select); 11 bases into the intron before 39 bases upstream of the start codon, C replaced by T.
Molecular consequence: intron variant.
Genome position (GRCh38, 1-based): chr13:32,316,411, C>T. VCF-style: chr13-32316411-C-T. GRCh37 (hg19) VCF-style: chr13-32890548-C-T.
Identifiers: ClinVar variation 1692111 (VCV001692111.3), dbSNP rs1160268714, ClinGen allele CA609083239.